The following is an entry in ClinVar:

NM_000048.4(ASL):c.280C>T (p.Arg94Cys)

Gene: ASL (argininosuccinate lyase; plus strand). Cytogenetic location: 7q11.21.
Variant type: single nucleotide variant.
Coding change: c.280C>T on transcript NM_000048.4 (MANE Select); coding-DNA position 280, C replaced by T.
Protein change: p.Arg94Cys; replaces arginine 94 with cysteine.
Molecular consequence: missense variant.
Genome position (GRCh38, 1-based): chr7:66,082,440, C>T. VCF-style: chr7-66082440-C-T. GRCh37 (hg19) VCF-style: chr7-65547427-C-T.
Other names: c.280C>T, p.Arg94Cys (NM_001024943.2, NM_001024944.2, NM_001024946.2); short protein forms R94C.
Identifiers: ClinVar variation 92359 (VCV000092359.29), dbSNP rs374304304, ClinGen allele CA220290.

ClinVar aggregate classification (germline): Pathogenic/Likely pathogenic. Review status: criteria provided, multiple submitters, no conflicts (2 of 4 stars). 9 submissions from 9 submitters: Pathogenic (6); Likely pathogenic (3). Last evaluated 2025-12-02.

Conditions:
Argininosuccinate lyase deficiency. Also called: Argininosuccinic aciduria; ARGININOSUCCINIC ACID LYASE DEFICIENCY; ASL DEFICIENCY. Identifiers: Orphanet 23, MedGen C0268547, MONDO:0008815, OMIM 207900, HP:0025630.

Allele frequency attached by ClinVar (database versions not stated): gnomAD exomes 0.00001; TOPMed 0.00002; ExAC 0.00002; gnomAD 0.00001; ESP Exome Variant Server 0.00008.
gnomAD v4.1: 18 of 1,610,038 alleles (0.0011%); highest among the groups gnomAD compares: South Asian, 0.0033%; no homozygotes.

Submissions (9):

Labcorp Genetics (formerly Invitae), Labcorp
Classification: Pathogenic for Argininosuccinate lyase deficiency. Last evaluated: 2025-12-02. Review status: criteria provided, single submitter. Criteria: Invitae Variant Classification Sherloc (09022015). Collection method: clinical testing. Allele origin: germline.
Comment: This sequence change replaces arginine, which is basic and polar, with cysteine, which is neutral and slightly polar, at codon 94 of the ASL protein (p.Arg94Cys). The frequency data for this variant in the population databases is considered unreliable, as metrics indicate poor data quality at this position in the gnomAD database. This missense change has been observed in individual(s) with clinical features of argininosuccinate lyase deficiency (PMID: 24166829; internal data). In at least one individual the data is consistent with being in trans (on the opposite chromosome) from a pathogenic variant. ClinVar contains an entry for this variant (Variation ID: 92359). Invitae Evidence Modeling of protein sequence and biophysical properties (such as structural, functional, and spatial information, amino acid conservation, physicochemical variation, residue mobility, and thermodynamic stability) indicates that this missense variant is expected to disrupt ASL protein function with a positive predictive value of 95%. Experimental studies have shown that this missense change affects ASL function (PMID: 26745957). This variant disrupts the p.Arg94 amino acid residue in ASL. Other variant(s) that disrupt this residue have been observed in individuals with ASL-related conditions (PMID: 24166829, 31156699), which suggests that this may be a clinically significant amino acid residue. For these reasons, this variant has been classified as Pathogenic.

Natera, Inc.
Classification: Pathogenic for Argininosuccinate lyase deficiency. Last evaluated: 2025-10-07. Review status: criteria provided, single submitter. Criteria: Natera Variant Classification Schema (03/2026). Collection method: clinical testing. Allele origin: germline.
Comment: The c.280C>T variant in ASL is a missense variant predicted to cause substitution of arginine to cysteine at amino acid 94. This variant is rare in the general population with a frequency below the threshold expected for the associated phenotype(s). This variant has been observed in one or more individuals affected with the associated recessive disease, as either homozygous or compound heterozygous with a second variant (PMID: 24166829). Functional studies show that this variant may disrupt protein function (PMID: 26745957). Computational prediction algorithms indicate this variant is likely to affect gene or protein function. Given the available evidence, this variant is classified as Pathogenic.

GeneDx
Classification: Pathogenic. Last evaluated: 2025-08-07. Review status: criteria provided, single submitter. Criteria: GeneDx Variant Classification Process June 2021. Collection method: clinical testing. Allele origin: germline. Affected: yes.
Comment: Published functional studies demonstrate significantly reduced protein activity (PMID: 26745957); Not observed at significant frequency in large population cohorts (gnomAD); In silico analysis supports that this missense variant has a deleterious effect on protein structure/function; This variant is associated with the following publications: (PMID: 26745957, 24166829)

Women's Health and Genetics/Laboratory Corporation of America, LabCorp
Classification: Pathogenic for Argininosuccinate lyase deficiency. Last evaluated: 2025-05-28. Review status: criteria provided, single submitter. Criteria: LabCorp Variant Classification Summary - May 2015. Collection method: clinical testing. Allele origin: germline.
Comment: Variant summary: ASL c.280C>T (p.Arg94Cys) results in a non-conservative amino acid change located in the N-terminal domain (IPR022761) of the encoded protein sequence. Algorithms developed to predict the effect of missense changes on protein structure and function all suggest that this variant is likely to be disruptive. The variant allele was found at a frequency of 1.2e-05 in 243484 control chromosomes (gnomAD). c.280C>T has been observed in compound heterozygous and homozygous individuals affected with Argininosuccinic Aciduria (e.g. Balmer_2014, Tanteles_2016 [abstract, no PMID], Labcorp (formerly Invitae)), some of these reports also noted undetectable argininosuccinate lyase activity in patient derived red blood cells. These data indicate that the variant is likely to be associated with disease. At least one publication reports experimental evidence evaluating an impact on protein function, resulting in 12.6% residual enzyme activity compared to Wildtype (Inauen_2016). Other variants affecting the same amino acid (p.R94H/L) have been reported in association with Argininosuccinic Aciduria (HGMD), suggesting a functional relevance of this residue. ClinVar contains an entry for this variant (Variation ID: 92359). Based on the evidence outlined above, the variant was classified as pathogenic.

Fulgent Genetics
Classification: Pathogenic for Argininosuccinate lyase deficiency. Last evaluated: 2024-03-05. Review status: criteria provided, single submitter. Criteria: ACMG Guidelines, 2015. Collection method: clinical testing. Allele origin: germline.

Revvity Omics, Revvity
Classification: Likely pathogenic for Argininosuccinate lyase deficiency. Last evaluated: 2023-07-18. Review status: criteria provided, single submitter. Criteria: ACMG Guidelines, 2015. Collection method: clinical testing. Allele origin: germline.

Myriad Genetics, Inc.
Classification: Likely pathogenic for Argininosuccinate lyase deficiency. Last evaluated: 2021-11-01. Review status: criteria provided, single submitter. Criteria: Myriad Women's Health Autosomal Recessive and X-Linked Classification Criteria (2021). Collection method: clinical testing. Allele origin: unknown.
Comment: NM_001024943.1(ASL):c.280C>T(R94C) is a missense variant classified as likely pathogenic in the context of argininosuccinic aciduria. R94C has been observed in cases with relevant disease (PMID: 24166829, Tanteles_2016_(no PMID; abstract)). Functional assessments of this variant are available in the literature (PMID: 26745957). R94C has been observed in population frequency databases (gnomAD: NFE 0.003%). In summary, NM_001024943.1(ASL):c.280C>T(R94C) is a missense variant that has functional support for pathogenicity and has been observed more frequently in cases with the relevant disease than in healthy populations. Please note: this variant was assessed in the context of healthy population screening.

Department of Pathology and Laboratory Medicine, Sinai Health System
Classification: Likely pathogenic for argininosuccinic aciduria. Last evaluated: 2021-07-30. Review status: criteria provided, single submitter. Criteria: ACMG Guidelines, 2015. Collection method: research. Allele origin: germline.

Eurofins Ntd Llc (ga)
Classification: Pathogenic. Last evaluated: 2017-06-21. Review status: criteria provided, single submitter. Criteria: EGL Classification Definitions. Collection method: clinical testing. Allele origin: germline. Observed: 3 variant alleles, 3 heterozygotes.

Literature cited by the submitters: PubMed 24166829 (cited by 4 submitters); PubMed 26745957 (cited by 4 submitters); PubMed 31156699 (cited by Labcorp Genetics (formerly Invitae), Labcorp).